The following is an entry in ClinVar:

ClinVar aggregate classification (germline): Benign/Likely benign. Review status: criteria provided, multiple submitters, no conflicts (2 of 4 stars). 23 submissions from 19 submitters: Benign (18); Likely benign (1). 4 of the submissions do not count toward it. Last evaluated 2026-02-04.

Conditions:
Cardiovascular phenotype. Identifiers: MedGen CN230736.
Visceral myopathy 2. Identifiers: MedGen C5543466, MONDO:0859157, OMIM 619350.
Megacystis-microcolon-intestinal hypoperistalsis syndrome 2. Identifiers: MedGen C5543476, MONDO:0025708, OMIM 619351.
Familial thoracic aortic aneurysm and aortic dissection (TAAD). Also called: Thoracic aortic aneurysms and dissections. Identifiers: Orphanet 91387, MedGen C4707243, MONDO:0019625.
Lissencephaly 4 (LIS4). Also called: Lissencephaly 4 (with microcephaly). Identifiers: Orphanet 1083, MedGen C3151461, MONDO:0013527, OMIM 614019.
Aortic aneurysm, familial thoracic 4 (AAT4). Also called: AORTIC ANEURYSM/AORTIC DISSECTION AND PATENT DUCTUS ARTERIOSUS. Identifiers: MedGen C1851504, MONDO:0007568, OMIM 132900.

Allele frequency attached by ClinVar (database versions not stated): 1000 Genomes Project 30x 0.39491; gnomAD 0.44235 and 0.44239; ExAC 0.48179; gnomAD exomes 0.48481 and 0.48780; 1000 Genomes Project 0.39617; TOPMed 0.43751; ESP Exome Variant Server 0.43897.
gnomAD v4.1: 779,700 of 1,613,846 alleles (48%); highest among the groups gnomAD compares: Middle Eastern, 59%; 191,592 homozygotes.

Submissions (23):

Labcorp Genetics (formerly Invitae), Labcorp
Classification: Benign for Aortic aneurysm, familial thoracic 4. Last evaluated: 2026-02-04. Review status: criteria provided, single submitter. Criteria: Invitae Variant Classification Sherloc (09022015). Collection method: clinical testing. Allele origin: germline.

ARUP Laboratories, Molecular Genetics and Genomics, ARUP Laboratories
Classification: Benign. Last evaluated: 2025-07-29. Review status: criteria provided, single submitter. Criteria: ARUP Molecular Germline Variant Investigation Process 2024. Collection method: clinical testing. Allele origin: germline.

Molecular Diagnostic Laboratory for Inherited Cardiovascular Disease, Montreal Heart Institute
Classification: Benign. Last evaluated: 2025-04-09. Review status: criteria provided, single submitter. Criteria: ACMG Guidelines, 2015. Collection method: clinical testing. Allele origin: germline. Affected: no.

Blueprint Genetics
Classification: Benign. Last evaluated: 2024-11-27. Review status: criteria provided, single submitter. Criteria: ACMG Guidelines, 2015. Collection method: clinical testing. Allele origin: germline.

All of Us Research Program, National Institutes of Health
Classification: Benign for Familial thoracic aortic aneurysm and aortic dissection. Last evaluated: 2024-10-03. Review status: criteria provided, single submitter. Criteria: ACMG Guidelines, 2015. Collection method: clinical testing. Allele origin: germline. Inheritance: Autosomal dominant inheritance. Observed: 105,166 variant alleles, 70,225 heterozygotes, 34,920 homozygotes, 21 hemizygotes.
Comment: This study involves interpretation of variants in research participants for the purpose of population health screening. Participant phenotype was not available at the time of variant classification. Additional details can be found in publication PMID: 35346344, PMCID: PMC8962531

Genome-Nilou Lab
Classification: Benign for Aortic aneurysm, familial thoracic 4. Last evaluated: 2021-09-05. Review status: criteria provided, single submitter. Criteria: ACMG Guidelines, 2015. Collection method: clinical testing. Allele origin: germline. Affected: no.

Genome-Nilou Lab
Classification: Benign for Megacystis-microcolon-intestinal hypoperistalsis syndrome 2. Last evaluated: 2021-09-05. Review status: criteria provided, single submitter. Criteria: ACMG Guidelines, 2015. Collection method: clinical testing. Allele origin: germline. Affected: no.

Genome-Nilou Lab
Classification: Benign for Visceral myopathy 2. Last evaluated: 2021-09-05. Review status: criteria provided, single submitter. Criteria: ACMG Guidelines, 2015. Collection method: clinical testing. Allele origin: germline. Affected: no.

Color Diagnostics, LLC DBA Color Health
Classification: Benign for Familial thoracic aortic aneurysm and aortic dissection. Last evaluated: 2018-03-07. Review status: criteria provided, single submitter. Criteria: ACMG Guidelines, 2015. Collection method: clinical testing. Allele origin: germline.

Illumina Laboratory Services, Illumina
Classification: Benign for Aortic aneurysm, familial thoracic 4. Last evaluated: 2018-01-12. Review status: criteria provided, single submitter. Criteria: ICSL Variant Classification Criteria 13 December 2019. Collection method: clinical testing. Allele origin: germline.
Comment: This variant was observed in the ICSL laboratory as part of a predisposition screen in an ostensibly healthy population. It had not been previously curated by ICSL or reported in the Human Gene Mutation Database (HGMD: prior to June 1st, 2018), and was therefore a candidate for classification through an automated scoring system. Utilizing variant allele frequency, disease prevalence and penetrance estimates, and inheritance mode, an automated score was calculated to assess if this variant is too frequent to cause the disease. Based on the score and internal cut-off values, a variant classified as benign is not then subjected to further curation. The score for this variant resulted in a classification of benign for this disease.

Clinical Genetics DNA and cytogenetics Diagnostics Lab, Erasmus MC, Erasmus Medical Center
Classification: Benign for Aortic aneurysm, familial thoracic 4. Last evaluated: 2017-06-28. Review status: criteria provided, single submitter. Criteria: ACGS Guidelines, 2013. Collection method: clinical testing. Allele origin: germline. Affected: yes. Study: VKGL Data-share Consensus.

Illumina Laboratory Services, Illumina
Classification: Benign for Lissencephaly 4. Last evaluated: 2017-04-27. Review status: criteria provided, single submitter. Criteria: ICSL Variant Classification Criteria 13 December 2019. Collection method: clinical testing. Allele origin: germline.
Comment: This variant was observed as part of a predisposition screen in an ostensibly healthy population. A literature search was performed for the gene, cDNA change, and amino acid change (where applicable). No publications were found based on this search. Allele frequency data from public databases was too high to be consistent with this variant causing disease. Therefore, this variant is classified as benign.

Ambry Genetics
Classification: Benign for Familial thoracic aortic aneurysm and aortic dissection. Last evaluated: 2015-06-19. Review status: criteria provided, single submitter. Criteria: Ambry Autosomal Dominant and X-Linked criteria (10/2015). Collection method: clinical testing. Allele origin: germline. Observed: 1 variant allele.
Comment: General population or subpopulation frequency is too high to be a pathogenic mutation based on disease/syndrome prevalence and penetrance

Ambry Genetics
Classification: Benign for Cardiovascular phenotype. Last evaluated: 2014-11-19. Review status: criteria provided, single submitter. Criteria: Ambry Autosomal Dominant and X-Linked criteria (10/2015). Collection method: clinical testing. Allele origin: germline. Observed: 1 variant allele.

Mayo Clinic Laboratories, Mayo Clinic
Classification: Benign. Last evaluated: 2014-02-05. Review status: criteria provided, single submitter. Criteria: ACMG Guidelines, 2015. Collection method: clinical testing. Allele origin: germline. Observed: 1,123 variant alleles.

Laboratory for Molecular Medicine, Mass General Brigham Personalized Medicine
Classification: Benign. Last evaluated: 2013-04-04. Review status: criteria provided, single submitter. Criteria: LMM Criteria. Collection method: clinical testing. Allele origin: germline. Observed: 23 variant alleles.
Comment: Leu1833Leu in exon 39 of MYH11: This variant is not expected to have clinical si gnificance because it does not alter an amino acid residue and is not located wi thin the splice consensus sequence. It has been identified in 49.3% (4239/8600) of European American chromosomes from a broad population by the NHLBI Exome Sequ encing Project (dbSNP rs1050163).

GeneDx
Classification: Benign. Last evaluated: 2012-11-02. Review status: criteria provided, single submitter. Criteria: GeneDx Variant Classification (06012015). Collection method: clinical testing. Allele origin: germline. Affected: yes.
Comment: This variant is considered likely benign or benign based on one or more of the following criteria: it is a conservative change, it occurs at a poorly conserved position in the protein, it is predicted to be benign by multiple in silico algorithms, and/or has population frequency not consistent with disease.

Breakthrough Genomics
Classification: Likely benign. Review status: criteria provided, single submitter. Criteria: ACMG Guidelines, 2015. Collection method: not provided. Allele origin: germline. Inheritance: Autosomal recessive inheritance. Affected: yes.

PreventionGenetics, part of Exact Sciences
Classification: Benign. Review status: criteria provided, single submitter. Criteria: ACMG Guidelines, 2015. Collection method: clinical testing. Allele origin: germline.

Genome Diagnostics Laboratory, Amsterdam University Medical Center
Classification: Benign for Aortic aneurysm, familial thoracic 4. Last evaluated: 2014-11-19. Review status: no assertion criteria provided. Criteria: ACGS Guidelines, 2013. Collection method: clinical testing. Allele origin: germline. Affected: yes. Study: VKGL Data-share Consensus. Not counted in ClinVar's aggregate classification.

Diagnostic Laboratory, Department of Genetics, University Medical Center Groningen
Classification: Benign for Aortic aneurysm, familial thoracic 4. Review status: no assertion criteria provided. Collection method: clinical testing. Allele origin: germline. Affected: yes. Study: VKGL Data-share Consensus. Not counted in ClinVar's aggregate classification.

Genetic Services Laboratory, University of Chicago
Classification: Likely benign. Review status: no assertion criteria provided. Collection method: clinical testing. Allele origin: germline. Inheritance: Autosomal recessive inheritance. Not counted in ClinVar's aggregate classification.
Comment: Likely benign based on allele frequency in 1000 Genomes Project or ESP global frequency and its presence in a patient with a rare or unrelated disease phenotype. NOT Sanger confirmed

Joint Genome Diagnostic Labs from Nijmegen and Maastricht, Radboudumc and MUMC+
Classification: Benign. Review status: no assertion criteria provided. Collection method: clinical testing. Allele origin: germline. Affected: yes. Study: VKGL Data-share Consensus. Not counted in ClinVar's aggregate classification.

NM_002474.3(MYH11):c.5478G>A (p.Leu1826=)

Genes: MYH11 (myosin heavy chain 11; minus strand), NDE1 (nudE neurodevelopment protein 1; plus strand). Cytogenetic location: 16p13.11.
Variant type: single nucleotide variant.
Coding change: c.5478G>A on transcript NM_002474.3 (MANE Select); coding-DNA position 5478, G replaced by A.
Protein change: p.Leu1826=; no amino-acid change (leucine 1826 retained).
Molecular consequence: synonymous variant. On other transcripts: intron variant (2).
Genome position (GRCh38, 1-based): chr16:15,717,166, C>T on the plus strand (G>A on the coding strand, the complement: MYH11 is on the minus strand). VCF-style: chr16-15717166-C-T. GRCh37 (hg19) VCF-style: chr16-15811023-C-T.
Other names: p.L1826L:CTG>CTA; p.Leu1833=; c.5499G>A, p.Leu1833= (NM_001040113.2, NM_001040114.2); c.5478G>A, p.Leu1826= (NM_022844.3); c.948-7025C>T (NM_001143979.2, NM_017668.3).
Identifiers: ClinVar variation 138354 (VCV000138354.51), dbSNP rs1050163, ClinGen allele CA172635.